The following is an entry in ClinVar:

ClinVar aggregate classification (germline): Uncertain significance (1 of 4 stars; one submission).

Conditions:
Cardiovascular phenotype. Identifiers: MedGen CN230736.

Submission:

Ambry Genetics
Classification: Uncertain significance for Cardiovascular phenotype. Last evaluated: 2025-07-30. Review status: criteria provided, single submitter. Criteria: Ambry Variant Classification Scheme 2023. Collection method: clinical testing. Allele origin: germline.
Comment: The p.K320R variant (also known as c.959A>G), located in coding exon 9 of the APOB gene, results from an A to G substitution at nucleotide position 959. The lysine at codon 320 is replaced by arginine, an amino acid with highly similar properties. This amino acid position is conserved. In addition, this alteration is predicted to be tolerated by in silico analysis. Based on the available evidence, the clinical significance of this variant remains unclear.

NM_000384.3(APOB):c.959A>G (p.Lys320Arg)

Gene: APOB (apolipoprotein B; minus strand). Cytogenetic location: 2p24.1.
Variant type: single nucleotide variant.
Coding change: c.959A>G on transcript NM_000384.3 (MANE Select); coding-DNA position 959, A replaced by G.
Protein change: p.Lys320Arg; replaces lysine 320 with arginine.
Molecular consequence: missense variant.
Genome position (GRCh38, 1-based): chr2:21,033,464, T>C on the plus strand (A>G on the coding strand, the complement: APOB is on the minus strand). VCF-style: chr2-21033464-T-C. GRCh37 (hg19) VCF-style: chr2-21256336-T-C.
Other names: short protein forms K320R.
Identifiers: ClinVar variation 4125136 (VCV004125136.1).